The following is an entry in ClinVar:

NM_001164508.2(NEB):c.9195C>T (p.His3065=)

Gene: NEB (nebulin; minus strand). Cytogenetic location: 2q23.3.
Variant type: single nucleotide variant.
Coding change: c.9195C>T on transcript NM_001164508.2 (MANE Select); coding-DNA position 9195, C replaced by T.
Protein change: p.His3065=; no amino-acid change (histidine 3065 retained).
Molecular consequence: synonymous variant. On other transcripts: intron variant (1).
Genome position (GRCh38, 1-based): chr2:151,633,873, G>A on the plus strand (C>T on the coding strand, the complement: NEB is on the minus strand). VCF-style: chr2-151633873-G-A. GRCh37 (hg19) VCF-style: chr2-152490387-G-A.
Other names: c.9195C>T, p.His3065= (NM_001164507.2, NM_001271208.2); c.8854-2695C>T (NM_004543.5).
Identifiers: ClinVar variation 511384 (VCV000511384.37), dbSNP rs374734631, ClinGen allele CA1909382.

ClinVar aggregate classification (germline): Conflicting classifications of pathogenicity. Review status: criteria provided, conflicting classifications (1 of 4 stars). 5 submissions from 5 submitters: Uncertain significance (1); Likely benign (4). Last evaluated 2026-07-01.

Conditions:
Nemaline myopathy 2 (NEM2). Also called: Nemaline myopathy 2, autosomal recessive. Identifiers: MedGen C1850569, MONDO:0009725, OMIM 256030.

Allele frequency attached by ClinVar (database versions not stated): gnomAD exomes 0.00003 and 0.00006; ExAC 0.00007; gnomAD 0.00011 and 0.00013; TOPMed 0.00012; ESP Exome Variant Server 0.00022.
gnomAD v4.1: 61 of 1,613,854 alleles (0.0038%); highest among the groups gnomAD compares: African/African-American, 0.027%; no homozygotes.

Submissions (5):

CeGaT Center for Human Genetics Tuebingen
Classification: Likely benign. Last evaluated: 2026-07-01. Review status: criteria provided, single submitter. Criteria: CeGaT Center For Human Genetics Tuebingen Variant Classification Criteria Version 2. Collection method: clinical testing. Allele origin: germline. Affected: yes. Observed: 2 variant alleles.
Comment: NEB: BP4, BP7

Labcorp Genetics (formerly Invitae), Labcorp
Classification: Likely benign for Nemaline myopathy 2. Last evaluated: 2026-01-26. Review status: criteria provided, single submitter. Criteria: Invitae Variant Classification Sherloc (09022015). Collection method: clinical testing. Allele origin: germline.

Blueprint Genetics
Classification: Likely benign. Last evaluated: 2023-11-28. Review status: criteria provided, single submitter. Criteria: ACMG Guidelines, 2015. Collection method: clinical testing. Allele origin: germline.

Revvity Omics, Revvity
Classification: Uncertain significance. Last evaluated: 2019-02-25. Review status: criteria provided, single submitter. Criteria: ACMG Guidelines, 2015. Collection method: clinical testing. Allele origin: germline.

GeneDx
Classification: Likely benign. Last evaluated: 2017-08-14. Review status: criteria provided, single submitter. Criteria: GeneDx Variant Classification (06012015). Collection method: clinical testing. Allele origin: germline. Affected: yes.
Comment: This variant is considered likely benign or benign based on one or more of the following criteria: it is a conservative change, it occurs at a poorly conserved position in the protein, it is predicted to be benign by multiple in silico algorithms, and/or has population frequency not consistent with disease.